The following is an entry in ClinVar:

NM_000384.3(APOB):c.8530C>T (p.Leu2844=)

Gene: APOB (apolipoprotein B; minus strand). Cytogenetic location: 2p24.1.
Variant type: single nucleotide variant.
Coding change: c.8530C>T on transcript NM_000384.3 (MANE Select); coding-DNA position 8530, C replaced by T.
Protein change: p.Leu2844=; no amino-acid change (leucine 2844 retained).
Molecular consequence: synonymous variant.
Genome position (GRCh38, 1-based): chr2:21,008,338, G>A on the plus strand (C>T on the coding strand, the complement: APOB is on the minus strand). VCF-style: chr2-21008338-G-A. GRCh37 (hg19) VCF-style: chr2-21231210-G-A.
Identifiers: ClinVar variation 513976 (VCV000513976.7), dbSNP rs1553383318, ClinGen allele CA425344596.

ClinVar aggregate classification (germline): Likely benign. Review status: criteria provided, multiple submitters, no conflicts (2 of 4 stars). 5 submissions from 5 submitters: Likely benign (5). Last evaluated 2026-07-21.

Conditions:
Cardiovascular phenotype. Identifiers: MedGen CN230736.
Familial hypobetalipoproteinemia 1. Also called: Hypobetalipoproteinemia, normotriglyceridemic; Acanthocytosis with hypobetalipoproteinemia; APOB-Related Familial Hypobetalipoproteinemia. Identifiers: MedGen C4551990, MONDO:0014252, OMIM 615558.
Hypercholesterolemia, autosomal dominant, type B (FHCL2). Also called: Hyperlipoproteinemia Type IIb; APOLIPOPROTEIN B-100, FAMILIAL DEFECTIVE; APOLIPOPROTEIN B-100, FAMILIAL LIGAND-DEFECTIVE; Familial hypercholesterolemia 2; APOB-Related Familial Hypercholesterolemia, Autosomal Dominant; Familial Hypercholesterolemia Type B. Identifiers: MedGen C1704417, MONDO:0007751, OMIM 144010.
Familial hypercholesterolemia. Also called: Familial hypercholesterolemias; Familial hypercholesterolaemia. Identifiers: MedGen C0020445, MONDO:0005439.

Allele frequency attached by ClinVar (database versions not stated): gnomAD exomes below 0.00001; gnomAD 0.00001; TOPMed 0.00002.
gnomAD v4.1: 5 of 1,613,078 alleles (0.00031%); highest among the groups gnomAD compares: Non-Finnish European, 0.00025%; no homozygotes.

Submissions (5):

GENinCode PLC
Classification: Likely benign for Familial hypercholesterolemia. Last evaluated: 2026-07-21. Review status: criteria provided, single submitter. Criteria: ACMG Guidelines, 2015. Collection method: clinical testing. Allele origin: germline.
Comment: This is a synonymous (silent) variant that is not predicted to impact splicing and occurs at a nucleotide which is not highly conserved. This variant has been classified as Likely Benign (BP4, BP7).

Labcorp Genetics (formerly Invitae), Labcorp
Classification: Likely benign for Familial hypobetalipoproteinemia 1; Hypercholesterolemia, autosomal dominant, type B. Last evaluated: 2024-05-02. Review status: criteria provided, single submitter. Criteria: Invitae Variant Classification Sherloc (09022015). Collection method: clinical testing. Allele origin: germline.

Blueprint Genetics
Classification: Likely benign. Last evaluated: 2024-04-08. Review status: criteria provided, single submitter. Criteria: ACMG Guidelines, 2015. Collection method: clinical testing. Allele origin: germline.

Ambry Genetics
Classification: Likely benign for Cardiovascular phenotype. Last evaluated: 2020-08-30. Review status: criteria provided, single submitter. Criteria: Ambry Variant Classification Scheme 2023. Collection method: clinical testing. Allele origin: germline.

GeneDx
Classification: Likely benign. Last evaluated: 2017-12-07. Review status: criteria provided, single submitter. Criteria: GeneDx Variant Classification (06012015). Collection method: clinical testing. Allele origin: germline. Affected: yes.
Comment: This variant is considered likely benign or benign based on one or more of the following criteria: it is a conservative change, it occurs at a poorly conserved position in the protein, it is predicted to be benign by multiple in silico algorithms, and/or has population frequency not consistent with disease.